The following is an entry in ClinVar:

ClinVar aggregate classification (germline): Uncertain significance (1 of 4 stars; one submission).

Conditions:
Hereditary cancer-predisposing syndrome. Also called: Hereditary Cancer Syndrome; Neoplastic Syndromes, Hereditary; Tumor predisposition; Hereditary neoplastic syndrome. Identifiers: Orphanet 140162, MedGen C0027672, MeSH D009386, MONDO:0015356.

Submission:

Ambry Genetics
Classification: Uncertain significance for Hereditary cancer-predisposing syndrome. Last evaluated: 2026-09-14. Review status: criteria provided, single submitter. Criteria: Ambry Variant Classification Scheme 2023. Collection method: clinical testing. Allele origin: germline.
Comment: The p.K1404E variant (also known as c.4210A>G), located in coding exon 22 of the DICER1 gene, results from an A to G substitution at nucleotide position 4210. The lysine at codon 1404 is replaced by glutamic acid, an amino acid with similar properties. This amino acid position is well conserved in available vertebrate species. In addition, the in silico prediction for this alteration is inconclusive. Based on the available evidence, the clinical significance of this variant remains unclear.

NM_177438.3(DICER1):c.4210A>G (p.Lys1404Glu)

Gene: DICER1 (dicer 1, ribonuclease III; minus strand). Cytogenetic location: 14q32.13.
Variant type: single nucleotide variant.
Coding change: c.4210A>G on transcript NM_177438.3 (MANE Select); coding-DNA position 4210, A replaced by G.
Protein change: p.Lys1404Glu; replaces lysine 1404 with glutamic acid.
Molecular consequence: missense variant. On other transcripts: non-coding transcript variant (6).
Genome position (GRCh38, 1-based): chr14:95,096,710, T>C on the plus strand (A>G on the coding strand, the complement: DICER1 is on the minus strand). VCF-style: chr14-95096710-T-C. GRCh37 (hg19) VCF-style: chr14-95563047-T-C.
Other names: c.4210A>G, p.Lys1404Glu (NM_001195573.1, NM_001271282.3, NM_001291628.2 and 12 more transcripts); c.3928A>G, p.Lys1310Glu (NM_001395686.1); c.3805A>G, p.Lys1269Glu (NM_001395687.1, NM_001395688.1, NM_001395689.1 and 2 more transcripts); c.3643A>G, p.Lys1215Glu (NM_001395691.1); c.2527A>G, p.Lys843Glu (NM_001395697.1); short protein forms K1215E, K843E, K1269E, K1310E, K1404E.
Identifiers: ClinVar variation 5035338 (VCV005035338.1).